The following is an entry in ClinVar:

NM_004380.3(CREBBP):c.5517del (p.Val1840fs)

Gene: CREBBP (CREB binding lysine acetyltransferase; minus strand). Cytogenetic location: 16p13.3.
Variant type: Deletion.
Coding change: c.5517del on transcript NM_004380.3 (MANE Select); coding-DNA position 5517, one base deleted (C; older notation c.5517delC).
Protein change: p.Val1840fs; shifts the reading frame from valine 1840.
Molecular consequence: frameshift variant.
Genome position (GRCh38, 1-based): chr16:3,729,530, G deleted on the plus strand (C on the coding strand, the reverse complement: CREBBP is on the minus strand); the first of 4 consecutive G bases (chr16:3,729,530-3,729,533); deleting any one gives the same sequence. VCF-style (leftmost placement, unchanged base first): chr16-3729529-CG-C. GRCh37 (hg19) VCF-style: chr16-3779530-CG-C.
Other names: c.5403del, p.Val1802fs (NM_001079846.1); short protein forms V1802fs, V1840fs.
Identifiers: ClinVar variation 4530109 (VCV004530109.1).
Genomic context (GRCh38, chr16:3,729,529, plus strand): 5'-GCAGGCGGTGCTGGATCTGCTGCTGGCGGAGCTTGTGTTTGATGTTGAGGCAGAAGGGCA[CG>C]GGGCATTTGTTTTCTTGGCAGTGCTTGGCGTGGTAGCAGCAGAGGGCGATGAGCTGCTTG-3'

ClinVar aggregate classification (somatic clinical impact): Tier II - Potential (1 of 4 stars; one submission).

Conditions:
Medulloblastoma WNT activated. Identifiers: MedGen C4331965, MONDO:0850196.

Submission:

Institute for Genomic Medicine (IGM) Clinical Laboratory, Nationwide Children's Hospital
Classification: Tier II - Potential for Medulloblastoma WNT activated. Assertion type: diagnostic. Clinical significance: supports diagnosis. Last evaluated: 2022-12-10. Review status: criteria provided, single submitter. Criteria: AMP/ASCO/CAP Guidelines, 2017. Collection method: clinical testing. Allele origin: somatic. Affected: yes.
Comment: Variant has Tier II (potential) clinical significance as a diagnostic inclusion criterion in medulloblastoma WNT activated, based on the following evidence: 1) Information in the literature supports potential biologic effect of variant. 2) Diagnostic significance based on multiple small studies (Evidence Level C; PMIDs: 22722829, 28726821, 24710217).

Literature cited by the submitters: PubMed 22722829; PubMed 28726821; PubMed 24710217.